The following is an entry in ClinVar:

NM_000540.3(RYR1):c.6759C>T (p.His2253=)

Gene: RYR1 (ryanodine receptor 1; plus strand). Cytogenetic location: 19q13.2.
Variant type: single nucleotide variant.
Coding change: c.6759C>T on transcript NM_000540.3 (MANE Select); coding-DNA position 6759, C replaced by T.
Protein change: p.His2253=; no amino-acid change (histidine 2253 retained).
Molecular consequence: synonymous variant.
Genome position (GRCh38, 1-based): chr19:38,496,504, C>T. VCF-style: chr19-38496504-C-T. GRCh37 (hg19) VCF-style: chr19-38987144-C-T.
Other names: c.6759C>T, p.His2253= (NM_001042723.2).
Identifiers: ClinVar variation 2140275 (VCV002140275.5), dbSNP rs756155393, ClinGen allele CA068648.
Genomic context (GRCh38, chr19:38,496,504, plus strand): 5'-CCGCTTCCTCTGCTATTTCTGCCGAATCAGCCGGCAGAACCAGCGCTCCATGTTTGACCA[C>T]CTGAGCTACCTGCTGGAGAACAGTGGCATCGGCCTGGGTGAGAACCCCCGAGCCCAGGGG-3'
Protein context (NP_000531.2, residues 2243-2263): SRQNQRSMFD[His2253=]LSYLLENSGI

ClinVar aggregate classification (germline): Likely benign. Review status: criteria provided, multiple submitters, no conflicts (2 of 4 stars). 2 submissions from 2 submitters: Likely benign (2). Last evaluated 2023-11-02.

Conditions:
RYR1-related disorder. Also called: RYR1-related condition; RYR1-related disorders. Identifiers: MedGen CN239331.
Malignant hyperthermia, susceptibility to, 1 (MHS1). Also called: RYR1-Related Malignant Hyperthermia Susceptibility; Malignant hyperthermia suceptibility 1; Anesthesia related hyperthermia; Malignant hyperpyrexia; Fulminating hyperpyrexia; Pharmacogenic myopathy. Identifiers: Orphanet 423, MedGen C2930980, MONDO:0007783, OMIM 145600.

Allele frequency attached by ClinVar (database versions not stated): gnomAD exomes below 0.00001; TOPMed 0.00001; ExAC 0.00002.
gnomAD v4.1: 3 of 1,613,618 alleles (0.00019%); highest among the groups gnomAD compares: East Asian, 0.0022%; no homozygotes.

Submissions (2):

All of Us Research Program, National Institutes of Health
Classification: Likely benign for Malignant hyperthermia, susceptibility to, 1. Last evaluated: 2023-11-02. Review status: criteria provided, single submitter. Criteria: ACMG Guidelines, 2015. Collection method: clinical testing. Allele origin: germline. Inheritance: Autosomal dominant inheritance. Observed: 1 variant allele, 1 heterozygote.
Comment: This study involves interpretation of variants in research participants for the purpose of population health screening. Participant phenotype was not available at the time of variant classification. Additional details can be found in publication PMID: 35346344, PMCID: PMC8962531

Labcorp Genetics (formerly Invitae), Labcorp
Classification: Likely benign for RYR1-related disorder. Last evaluated: 2023-02-05. Review status: criteria provided, single submitter. Criteria: Invitae Variant Classification Sherloc (09022015). Collection method: clinical testing. Allele origin: germline.